The following is an entry in ClinVar:

ClinVar aggregate classification (germline): Uncertain significance (1 of 4 stars; one submission).

Allele frequency attached by ClinVar (database versions not stated): gnomAD exomes below 0.00001; TOPMed below 0.00001.
gnomAD v4.1: 2 of 1,612,860 alleles (0.00012%); highest among the groups gnomAD compares: Admixed American, 0.0017%; no homozygotes.

Submission:

Labcorp Genetics (formerly Invitae), Labcorp
Classification: Uncertain significance. Last evaluated: 2022-09-08. Review status: criteria provided, single submitter. Criteria: Invitae Variant Classification Sherloc (09022015). Collection method: clinical testing. Allele origin: germline.
Comment: In summary, the available evidence is currently insufficient to determine the role of this variant in disease. Therefore, it has been classified as a Variant of Uncertain Significance. Advanced modeling of protein sequence and biophysical properties (such as structural, functional, and spatial information, amino acid conservation, physicochemical variation, residue mobility, and thermodynamic stability) has been performed at Invitae for this missense variant, however the output from this modeling did not meet the statistical confidence thresholds required to predict the impact of this variant on GUCY2C protein function. This variant has not been reported in the literature in individuals affected with GUCY2C-related conditions. This variant is not present in population databases (gnomAD no frequency). This sequence change replaces serine, which is neutral and polar, with cysteine, which is neutral and slightly polar, at codon 606 of the GUCY2C protein (p.Ser606Cys).

NM_004963.4(GUCY2C):c.1817C>G (p.Ser606Cys)

Gene: GUCY2C (guanylate cyclase 2C; minus strand). Cytogenetic location: 12p12.3.
Variant type: single nucleotide variant.
Coding change: c.1817C>G on transcript NM_004963.4 (MANE Select); coding-DNA position 1817, C replaced by G.
Protein change: p.Ser606Cys; replaces serine 606 with cysteine.
Molecular consequence: missense variant.
Genome position (GRCh38, 1-based): chr12:14,643,687, G>C on the plus strand (C>G on the coding strand, the complement: GUCY2C is on the minus strand). VCF-style: chr12-14643687-G-C. GRCh37 (hg19) VCF-style: chr12-14796621-G-C.
Other names: short protein forms S606C.
Identifiers: ClinVar variation 1928066 (VCV001928066.5), dbSNP rs1947455063, ClinGen allele CA383986162.